The following is an entry in ClinVar:

ClinVar aggregate classification (germline): Uncertain significance (0 of 4 stars; one submission).

Conditions:
Carcinoma of colon (CRC). Also called: Colonic carcinoma; Colon carcinoma. Identifiers: MedGen C0699790, MONDO:0002032.

Submission:

Immunobiology Lab; University of Kashmir
Classification: Uncertain significance for Carcinoma of colon. Last evaluated: 2014-05-07. Review status: no assertion criteria provided. Collection method: case-control. Allele origin: somatic. Affected: yes. Study: Mutational Hotspot profiling of Tyrosine Kinase domain of VEGF receptors in Human colorectal tumors.
Comment: The variation(s) were confirmed by double pass sequencing of PCR products amplified from genomic DNA of colonic lesions fron colorectal patients

NM_182925.5(FLT4):c.3064del (p.Ala1022fs)

Gene: FLT4 (fms related receptor tyrosine kinase 4; minus strand). Cytogenetic location: 5q35.3.
Variant type: Deletion.
Coding change: c.3064del on transcript NM_182925.5 (MANE Select); coding-DNA position 3064, one base deleted (G; older notation c.3064delG).
Protein change: p.Ala1022fs; shifts the reading frame from alanine 1022.
Molecular consequence: frameshift variant.
Genome position (GRCh38, 1-based): chr5:180,616,932, C deleted on the plus strand (G on the coding strand, the reverse complement: FLT4 is on the minus strand); the first of 2 consecutive C bases (chr5:180,616,932-180,616,933); deleting either gives the same sequence. VCF-style (leftmost placement, unchanged base first): chr5-180616931-GC-G. GRCh37 (hg19) VCF-style: chr5-180043931-GC-G.
Other names: KP684485; c.3064del, p.Ala1022fs (NM_001354989.2, NM_002020.5); short protein forms A1022fs.
Identifiers: ClinVar variation 204356 (VCV000204356.3), dbSNP rs796052112, ClinGen allele CA251297.